The following is an entry in ClinVar:

NM_000321.3(RB1):c.2053C>T (p.Gln685Ter)

Gene: RB1 (RB transcriptional corepressor 1; plus strand). Cytogenetic location: 13q14.2.
Variant type: single nucleotide variant.
Coding change: c.2053C>T on transcript NM_000321.3 (MANE Select); coding-DNA position 2053, C replaced by T.
Protein change: p.Gln685Ter; replaces glutamine 685 with a stop codon.
Molecular consequence: nonsense.
Genome position (GRCh38, 1-based): chr13:48,459,780, C>T. VCF-style: chr13-48459780-C-T. GRCh37 (hg19) VCF-style: chr13-49033916-C-T.
Other names: short protein forms Q685*.
Identifiers: ClinVar variation 237668 (VCV000237668.13), dbSNP rs878853949, ClinGen allele CA10583160.
Genomic context (GRCh38, chr13:48,459,780, plus strand): 5'-CTTTGTGAACGCCTTCTGTCTGAGCACCCAGAATTAGAACATATCATCTGGACCCTTTTC[C>T]AGCACACCCTGCAGAATGAGTATGAACTCATGAGAGACAGGCATTTGGACCAAGTAAGAA-3'

ClinVar aggregate classification (germline): Pathogenic. Review status: criteria provided, multiple submitters, no conflicts (2 of 4 stars). 3 submissions from 3 submitters: Pathogenic (3). Last evaluated 2026-06-25.

Conditions:
Hereditary cancer-predisposing syndrome. Also called: Tumor predisposition; Neoplastic Syndromes, Hereditary; Hereditary Cancer Syndrome; Hereditary neoplastic syndrome. Identifiers: Orphanet 140162, MedGen C0027672, MeSH D009386, MONDO:0015356.
Retinoblastoma (RB1). Also called: RETINOBLASTOMA, SOMATIC. Identifiers: Orphanet 790, MedGen C0035335, MeSH D012175, MONDO:0008380, OMIM 180200, HP:0009919. Disease mechanism: loss of function. Inheritance: Both sporadic and heritable forms are tested..

Submissions (3):

Ambry Genetics
Classification: Pathogenic for Hereditary cancer-predisposing syndrome. Last evaluated: 2026-06-25. Review status: criteria provided, single submitter. Criteria: Ambry Variant Classification Scheme 2023. Collection method: clinical testing. Allele origin: germline.
Comment: The p.Q685* pathogenic mutation (also known as c.2053C>T), located in coding exon 20 of the RB1 gene, results from a C to T substitution at nucleotide position 2053. This changes the amino acid from a glutamine to a stop codon within coding exon 20. This variant is considered to be rare based on population cohorts in the Genome Aggregation Database (gnomAD). This alteration is expected to result in loss of function by premature protein truncation or nonsense-mediated mRNA decay. As such, this alteration is interpreted as a disease-causing mutation.

Genetic Diagnostic Laboratory, University of Pennsylvania School of Medicine
Classification: Pathogenic for Retinoblastoma. Last evaluated: 2024-05-20. Review status: criteria provided, single submitter. Criteria: ACMG Guidelines, 2015. Collection method: clinical testing. Allele origin: germline. Affected: yes. Observed: 2 variant alleles.
Comment: Case and Pedigree Information: BILATERAL CASES:1, UNILATERAL CASES:1, TOTAL CASES:2, PEDIGREES:2. ACMG Codes Applied:PVS1, PM2

Labcorp Genetics (formerly Invitae), Labcorp
Classification: Pathogenic for Retinoblastoma. Last evaluated: 2021-12-23. Review status: criteria provided, single submitter. Criteria: Invitae Variant Classification Sherloc (09022015). Collection method: clinical testing. Allele origin: germline.
Comment: For these reasons, this variant has been classified as Pathogenic. ClinVar contains an entry for this variant (Variation ID: 237668). This premature translational stop signal has been observed in individual(s) with retinoblastoma (PMID: 11333669). This variant is not present in population databases (gnomAD no frequency). This sequence change creates a premature translational stop signal (p.Gln685*) in the RB1 gene. It is expected to result in an absent or disrupted protein product. Loss-of-function variants in RB1 are known to be pathogenic (PMID: 17096365).

Literature cited by the submitters: PubMed 11333669 (cited by Labcorp Genetics (formerly Invitae), Labcorp); PubMed 17096365 (cited by Labcorp Genetics (formerly Invitae), Labcorp).